The following is an entry in ClinVar:

NM_000642.3(AGL):c.2960G>A (p.Trp987Ter)

Gene: AGL (amylo-alpha-1,6-glucosidase and 4-alpha-glucanotransferase; plus strand). Cytogenetic location: 1p21.2.
Variant type: single nucleotide variant.
Coding change: c.2960G>A on transcript NM_000642.3 (MANE Select); coding-DNA position 2960, G replaced by A.
Protein change: p.Trp987Ter; replaces tryptophan 987 with a stop codon.
Molecular consequence: nonsense.
Genome position (GRCh38, 1-based): chr1:99,891,616, G>A. VCF-style: chr1-99891616-G-A. GRCh37 (hg19) VCF-style: chr1-100357172-G-A.
Other names: c.2960G>A, p.Trp987Ter (NM_000028.3, NM_000643.3, NM_000644.3 and 1 more transcripts); c.2912G>A, p.Trp971Ter (NM_000646.3); c.2939G>A, p.Trp980Ter (NM_001425326.1); c.2759G>A, p.Trp920Ter (NM_001425327.1); c.2756G>A, p.Trp919Ter (NM_001425328.1); c.2621G>A, p.Trp874Ter (NM_001425329.1); c.2582G>A, p.Trp861Ter (NM_001425332.1); short protein forms W987*, W971*, W861*, W874*, W919*, W920*, W980*.
Identifiers: ClinVar variation 941524 (VCV000941524.9), dbSNP rs1652906180, ClinGen allele CA341325597.

ClinVar aggregate classification (germline): Pathogenic. Review status: criteria provided, multiple submitters, no conflicts (2 of 4 stars). 2 submissions from 2 submitters: Pathogenic (2). Last evaluated 2026-01-21.

Conditions:
Glycogen storage disease type III (GSD3). Also called: Cori disease; FORBES DISEASE. Identifiers: Orphanet 366, MedGen C0017922, MONDO:0009291, OMIM 232400.

Submissions (2):

Labcorp Genetics (formerly Invitae), Labcorp
Classification: Pathogenic for Glycogen storage disease type III. Last evaluated: 2026-01-21. Review status: criteria provided, single submitter. Criteria: Invitae Variant Classification Sherloc (09022015). Collection method: clinical testing. Allele origin: germline.
Comment: This sequence change creates a premature translational stop signal (p.Trp987*) in the AGL gene. It is expected to result in an absent or disrupted protein product. Loss-of-function variants in AGL are known to be pathogenic (PMID: 19299494). This variant is not present in population databases (gnomAD no frequency). This variant has not been reported in the literature in individuals affected with AGL-related conditions. ClinVar contains an entry for this variant (Variation ID: 941524). For these reasons, this variant has been classified as Pathogenic.

3billion
Classification: Pathogenic for Glycogen storage disease type III. Last evaluated: 2025-04-03. Review status: criteria provided, single submitter. Criteria: ACMG Guidelines, 2015. Collection method: clinical testing. Allele origin: germline. Affected: yes.
Comment: The variant is not observed in the gnomAD v4.1.0 dataset. Predicted Consequence/Location: Stop-gained (nonsense): predicted to result in a loss or disruption of normal protein function through nonsense-mediated decay (NMD) or protein truncation. Multiple pathogenic variants are reported downstream of the variant. The variant has been reported to be associated with AGL-related disorder (ClinVar ID: VCV000941524). Therefore, this variant is classified as Pathogenic according to the recommendation of ACMG/AMP guideline.

Literature cited by the submitters: PubMed 19299494 (cited by Labcorp Genetics (formerly Invitae), Labcorp).